The following is an entry in ClinVar:

ClinVar aggregate classification (germline): Uncertain significance (1 of 4 stars; one submission).

Conditions:
Hereditary nonpolyposis colorectal neoplasms. Identifiers: MedGen C0009405, MeSH D003123.

Submission:

Labcorp Genetics (formerly Invitae), Labcorp
Classification: Uncertain significance for Hereditary nonpolyposis colorectal neoplasms. Last evaluated: 2019-06-06. Review status: criteria provided, single submitter. Criteria: Invitae Variant Classification Sherloc (09022015). Collection method: clinical testing. Allele origin: germline.
Comment: In summary, the available evidence is currently insufficient to determine the role of this variant in disease. Therefore, it has been classified as a Variant of Uncertain Significance. Algorithms developed to predict the effect of missense changes on protein structure and function (SIFT, PolyPhen-2, Align-GVGD) all suggest that this variant is likely to be disruptive, but these predictions have not been confirmed by published functional studies and their clinical significance is uncertain. This variant has not been reported in the literature in individuals with MSH6-related conditions. This variant is not present in population databases (ExAC no frequency). This sequence change replaces histidine with tyrosine at codon 437 of the MSH6 protein (p.His437Tyr). The histidine residue is highly conserved and there is a moderate physicochemical difference between histidine and tyrosine.

NM_000179.3(MSH6):c.1309C>T (p.His437Tyr)

Gene: MSH6 (mutS homolog 6; plus strand). Cytogenetic location: 2p16.3.
Variant type: single nucleotide variant.
Coding change: c.1309C>T on transcript NM_000179.3 (MANE Select); coding-DNA position 1309, C replaced by T.
Protein change: p.His437Tyr; replaces histidine 437 with tyrosine.
Molecular consequence: missense variant.
Genome position (GRCh38, 1-based): chr2:47,799,292, C>T. VCF-style: chr2-47799292-C-T. GRCh37 (hg19) VCF-style: chr2-48026431-C-T.
Other names: c.919C>T, p.His307Tyr (NM_001281492.2); c.403C>T, p.His135Tyr (NM_001281493.2, NM_001281494.2); short protein forms H307Y, H135Y, H437Y.
Identifiers: ClinVar variation 940820 (VCV000940820.10), dbSNP rs1669318528, ClinGen allele CA346744348.